The following is an entry in ClinVar:

NM_018082.6(POLR3B):c.257A>G (p.Asp86Gly)

Gene: POLR3B (RNA polymerase III subunit B; plus strand). Cytogenetic location: 12q23.3.
Variant type: single nucleotide variant.
Coding change: c.257A>G on transcript NM_018082.6 (MANE Select); coding-DNA position 257, A replaced by G.
Protein change: p.Asp86Gly; replaces aspartic acid 86 with glycine.
Molecular consequence: missense variant.
Genome position (GRCh38, 1-based): chr12:106,369,304, A>G. VCF-style: chr12-106369304-A-G. GRCh37 (hg19) VCF-style: chr12-106763082-A-G.
Other names: c.83A>G, p.Asp28Gly (NM_001160708.2); short protein forms D28G, D86G.
Identifiers: ClinVar variation 4862360 (VCV004862360.1).

ClinVar aggregate classification (germline): Uncertain significance (1 of 4 stars; one submission).

Conditions:
Inborn genetic diseases. Identifiers: MedGen C0950123, MeSH D030342.

gnomAD v4.1: 2 of 1,600,442 alleles (0.00012%); highest among the groups gnomAD compares: Non-Finnish European, 0.00017%; no homozygotes.

Submission:

Ambry Genetics
Classification: Uncertain significance for Inborn genetic diseases. Last evaluated: 2026-04-23. Review status: criteria provided, single submitter. Criteria: Ambry Variant Classification Scheme 2023. Collection method: clinical testing. Allele origin: germline.
Comment: The c.257A>G (p.D86G) alteration is located in exon 5 (coding exon 5) of the POLR3B gene. This alteration results from a A to G substitution at nucleotide position 257, causing the aspartic acid (D) at amino acid position 86 to be replaced by a glycine (G). Based on data from gnomAD, the G allele has an overall frequency of 0.003% (1/31402) total alleles studied. The highest observed frequency was 0.007% (1/15428) of European (non-Finnish) alleles. Based on insufficient or conflicting evidence, the clinical significance of this alteration remains unclear.